The following is an entry in ClinVar:

NM_007194.4(CHEK2):c.826del (p.Ile276fs)

Gene: CHEK2 (checkpoint kinase 2; minus strand). Cytogenetic location: 22q12.1.
Variant type: Deletion.
Coding change: c.826del on transcript NM_007194.4 (MANE Select); coding-DNA position 826, one base deleted (A; older notation c.826delA).
Protein change: p.Ile276fs; shifts the reading frame from isoleucine 276.
Molecular consequence: frameshift variant.
Genome position (GRCh38, 1-based): chr22:28,710,026, T deleted on the plus strand (A on the coding strand, the reverse complement: CHEK2 is on the minus strand); the first of 3 consecutive T bases (chr22:28,710,026-28,710,028); deleting any one gives the same sequence. VCF-style (leftmost placement, unchanged base first): chr22-28710025-AT-A. GRCh37 (hg19) VCF-style: chr22-29106013-AT-A.
Other names: c.953delA, p.Ile319Phefs (NM_001005735.3); c.161delA, p.Ile55Phefs (NM_001257387.3); c.623delA, p.Ile209Phefs (NM_001349956.3); c.824delA, p.Ile276Phefs (NM_145862.3); short protein forms I209fs, I276fs, I319fs, I55fs.
Identifiers: ClinVar variation 1801663 (VCV001801663.5), dbSNP rs2517943044, ClinGen allele CA2580099658.
Genomic context (GRCh38, chr22:28,710,025, plus strand): 5'-AGATAGATAAATCTAAGTATGAGTCATATAATAATACTTACATGATTTAGCTTTTTCAAA[AT>A]TTCTATTTCTGTTTCAACATTGAGAGCTGGGTCCTTTGATAAACAGAATAACAGAGTTTA-3'

ClinVar aggregate classification (germline): Pathogenic. Review status: criteria provided, multiple submitters, no conflicts (2 of 4 stars). 3 submissions from 3 submitters: Pathogenic (2). 1 of the submissions does not count toward it. Last evaluated 2024-06-19.

Conditions:
Gastric cancer. Also called: Malignant tumor of stomach; Stomach cancer. Identifiers: MedGen C0024623, MeSH D013274, MONDO:0001056, OMIM 613659, HP:0012126.
Familial cancer of breast. Also called: Hereditary breast cancer; hereditary breast carcinoma; BREAST CANCER, FAMILIAL. Identifiers: Orphanet 227535, MedGen C0346153, MONDO:0016419, OMIM 114480. Disease mechanism: loss of function.

Submissions (3):

Labcorp Genetics (formerly Invitae), Labcorp
Classification: Pathogenic for Familial cancer of breast. Last evaluated: 2024-06-19. Review status: criteria provided, single submitter. Criteria: Invitae Variant Classification Sherloc (09022015). Collection method: clinical testing. Allele origin: germline.
Comment: This sequence change creates a premature translational stop signal (p.Ile276Phefs*2) in the CHEK2 gene. It is expected to result in an absent or disrupted protein product. Loss-of-function variants in CHEK2 are known to be pathogenic (PMID: 21876083, 24713400). This variant is not present in population databases (gnomAD no frequency). This variant has not been reported in the literature in individuals affected with CHEK2-related conditions. ClinVar contains an entry for this variant (Variation ID: 1801663). Algorithms developed to predict the effect of sequence changes on RNA splicing suggest that this variant may disrupt the consensus splice site. For these reasons, this variant has been classified as Pathogenic.

Myriad Genetics, Inc.
Classification: Pathogenic for Familial cancer of breast. Last evaluated: 2023-06-27. Review status: criteria provided, single submitter. Criteria: Myriad Autosomal Dominant, Autosomal Recessive and X-Linked Classification Criteria (2023). Collection method: clinical testing. Allele origin: unknown.
Comment: This variant is considered pathogenic. This variant creates a frameshift predicted to result in premature protein truncation.

Laboratory for Genotyping Development, RIKEN
Classification: Pathogenic for Gastric cancer. Last evaluated: 2021-07-01. Review status: no assertion criteria provided. Collection method: research. Allele origin: germline. Not counted in ClinVar's aggregate classification.

Literature cited by the submitters: PubMed 21876083 (cited by Labcorp Genetics (formerly Invitae), Labcorp); PubMed 24713400 (cited by Labcorp Genetics (formerly Invitae), Labcorp); PubMed 36988593 (cited by Laboratory for Genotyping Development, RIKEN).